The following is an entry in ClinVar:

NM_000548.5(TSC2):c.482-5C>G

Gene: TSC2 (TSC complex subunit 2; plus strand). Cytogenetic location: 16p13.3.
Variant type: single nucleotide variant.
Coding change: c.482-5C>G on transcript NM_000548.5 (MANE Select); 5 bases into the intron before coding-DNA position 482, C replaced by G.
Molecular consequence: intron variant.
Genome position (GRCh38, 1-based): chr16:2,055,397, C>G. VCF-style: chr16-2055397-C-G. GRCh37 (hg19) VCF-style: chr16-2105398-C-G.
Other names: c.482-5C>G (NM_001114382.3, NM_021055.3, NM_001370405.1 and 3 more transcripts); c.371-5C>G (NM_001318827.2); c.-1-799C>G (NM_001318831.2); c.335-5C>G (NM_001318829.2); c.515-5C>G (NM_001318832.2).
Identifiers: ClinVar variation 998803 (VCV000998803.9), dbSNP rs397515071, ClinGen allele CA718905717.

ClinVar aggregate classification (germline): Uncertain significance. Review status: criteria provided, multiple submitters, no conflicts (2 of 4 stars). 2 submissions from 2 submitters: Uncertain significance (2). Last evaluated 2025-05-11.

Conditions:
Tuberous sclerosis syndrome (TSC). Also called: Tuberous Sclerosis Complex; Tuberous sclerosis. Identifiers: Orphanet 805, MedGen C0041341, MONDO:0001734.
Tuberous sclerosis 2 (TSC2). Identifiers: Orphanet 805, MedGen C1860707, MONDO:0013199, OMIM 613254.

Allele frequency attached by ClinVar (database versions not stated): TOPMed below 0.00001.

Submissions (2):

Labcorp Genetics (formerly Invitae), Labcorp
Classification: Uncertain significance for Tuberous sclerosis 2. Last evaluated: 2025-05-11. Review status: criteria provided, single submitter. Criteria: Invitae Variant Classification Sherloc (09022015). Collection method: clinical testing. Allele origin: germline.
Comment: This sequence change falls in intron 5 of the TSC2 gene. It does not directly change the encoded amino acid sequence of the TSC2 protein. This variant is not present in population databases (gnomAD no frequency). This variant has not been reported in the literature in individuals affected with TSC2-related conditions. ClinVar contains an entry for this variant (Variation ID: 998803). Algorithms developed to predict the effect of sequence changes on RNA splicing suggest that this variant may disrupt the consensus splice site. In summary, the available evidence is currently insufficient to determine the role of this variant in disease. Therefore, it has been classified as a Variant of Uncertain Significance.

All of Us Research Program, National Institutes of Health
Classification: Uncertain significance for Tuberous sclerosis syndrome. Last evaluated: 2023-12-18. Review status: criteria provided, single submitter. Criteria: ACMG Guidelines, 2015. Collection method: clinical testing. Allele origin: germline. Inheritance: Autosomal dominant inheritance. Observed: 1 variant allele, 1 heterozygote.
Comment: This variant causes a C to G nucleotide substitution at the -5 position of the splice acceptor region of intron 5 of the TSC2 gene. To our knowledge, RNA studies have not been reported for this variant. This variant has not been reported in individuals affected with TSC2-related disorders in the literature. This variant has not been identified in the general population by the Genome Aggregation Database (gnomAD). The available evidence is insufficient to determine the role of this variant in disease conclusively. Therefore, this variant is classified as a Variant of Uncertain Significance.

This study involves interpretation of variants in research participants for the purpose of population health screening. Participant phenotype was not available at the time of variant classification. Additional details can be found in publication PMID: 35346344, PMCID: PMC8962531